The following is an entry in ClinVar:

NM_006790.3(MYOT):c.725C>T (p.Ala242Val)

Genes: MYOT (myotilin; plus strand), PKD2L2-DT (PKD2L2 divergent transcript; minus strand). Cytogenetic location: 5q31.2.
Variant type: single nucleotide variant.
Coding change: c.725C>T on transcript NM_006790.3 (MANE Select); coding-DNA position 725, C replaced by T.
Protein change: p.Ala242Val; replaces alanine 242 with valine.
Molecular consequence: missense variant.
Genome position (GRCh38, 1-based): chr5:137,882,014, C>T. VCF-style: chr5-137882014-C-T. GRCh37 (hg19) VCF-style: chr5-137217703-C-T.
Other names: c.173C>T, p.Ala58Val (NM_001135940.2); c.380C>T, p.Ala127Val (NM_001300911.2); short protein forms A127V, A242V, A58V.
Identifiers: ClinVar variation 1719739 (VCV001719739.6), dbSNP rs1580862369, ClinGen allele CA361055168.

ClinVar aggregate classification (germline): Uncertain significance (1 of 4 stars; one submission).

Conditions:
Myofibrillar myopathy 3 (MFM3). Also called: Muscular dystrophy, proximal, type 1A; Autosomal dominant spheroid body myopathy. Identifiers: Orphanet 266, Orphanet 268129, MedGen C3714934, MONDO:0012215, OMIM 609200.

Allele frequency attached by ClinVar (database versions not stated): gnomAD exomes below 0.00001.
gnomAD v4.1: 1 of 1,613,906 alleles (0.000062%); highest among the groups gnomAD compares: Non-Finnish European, 0.000085%; no homozygotes.

Submission:

Labcorp Genetics (formerly Invitae), Labcorp
Classification: Uncertain significance for Myofibrillar myopathy 3. Last evaluated: 2022-09-18. Review status: criteria provided, single submitter. Criteria: Invitae Variant Classification Sherloc (09022015). Collection method: clinical testing. Allele origin: germline.
Comment: In summary, the available evidence is currently insufficient to determine the role of this variant in disease. Therefore, it has been classified as a Variant of Uncertain Significance. Algorithms developed to predict the effect of missense changes on protein structure and function (SIFT, PolyPhen-2, Align-GVGD) all suggest that this variant is likely to be tolerated. This variant has not been reported in the literature in individuals affected with MYOT-related conditions. This variant is not present in population databases (gnomAD no frequency). This sequence change replaces alanine, which is neutral and non-polar, with valine, which is neutral and non-polar, at codon 242 of the MYOT protein (p.Ala242Val).